The following is an entry in ClinVar:

NM_000548.5(TSC2):c.3123C>T (p.Val1041=)

Gene: TSC2 (TSC complex subunit 2; plus strand). Cytogenetic location: 16p13.3.
Variant type: single nucleotide variant.
Coding change: c.3123C>T on transcript NM_000548.5 (MANE Select); coding-DNA position 3123, C replaced by T.
Protein change: p.Val1041=; no amino-acid change (valine 1041 retained).
Molecular consequence: synonymous variant.
Genome position (GRCh38, 1-based): chr16:2,079,188, C>T. VCF-style: chr16-2079188-C-T. GRCh37 (hg19) VCF-style: chr16-2129189-C-T.
Other names: c.2991C>T, p.Val997= (NM_001077183.3, NM_001370404.1); c.3123C>T, p.Val1041= (NM_001114382.3); c.2883C>T, p.Val961= (NM_001318827.2); c.2847C>T, p.Val949= (NM_001318829.2); c.2391C>T, p.Val797= (NM_001318831.2); c.3024C>T, p.Val1008= (NM_001318832.2); c.2994C>T, p.Val998= (NM_001363528.2, NM_001370405.1, NM_021055.3); c.3123C>T (NM_000548.3).
Identifiers: ClinVar variation 1582923 (VCV001582923.10), dbSNP rs776710692, ClinGen allele CA044272.

ClinVar aggregate classification (germline): Benign/Likely benign. Review status: criteria provided, multiple submitters, no conflicts (2 of 4 stars). 3 submissions from 3 submitters: Benign (1); Likely benign (2). Last evaluated 2026-04-25.

Conditions:
Hereditary cancer-predisposing syndrome. Also called: Hereditary Cancer Syndrome; Neoplastic Syndromes, Hereditary; Hereditary neoplastic syndrome; Tumor predisposition. Identifiers: Orphanet 140162, MedGen C0027672, MeSH D009386, MONDO:0015356.
Tuberous sclerosis 2 (TSC2). Identifiers: Orphanet 805, MedGen C1860707, MONDO:0013199, OMIM 613254.

Allele frequency attached by ClinVar (database versions not stated): gnomAD exomes below 0.00001; ExAC 0.00001.
gnomAD v4.1: 3 of 1,612,928 alleles (0.00019%); highest among the groups gnomAD compares: South Asian, 0.0022%; no homozygotes.

Submissions (3):

Ambry Genetics
Classification: Likely benign for Hereditary cancer-predisposing syndrome. Last evaluated: 2026-04-25. Review status: criteria provided, single submitter. Criteria: Ambry Variant Classification Scheme 2023. Collection method: clinical testing. Allele origin: germline.

Labcorp Genetics (formerly Invitae), Labcorp
Classification: Likely benign for Tuberous sclerosis 2. Last evaluated: 2026-01-01. Review status: criteria provided, single submitter. Criteria: Invitae Variant Classification Sherloc (09022015). Collection method: clinical testing. Allele origin: germline.

Myriad Genetics, Inc.
Classification: Benign for Tuberous sclerosis 2. Last evaluated: 2025-05-28. Review status: criteria provided, single submitter. Criteria: Myriad Autosomal Dominant, Autosomal Recessive and X-Linked Classification Criteria (2023). Collection method: clinical testing. Allele origin: unknown.
Comment: This variant is considered benign. This variant is a silent/synonymous amino acid change and it is not expected to impact splicing.